The following is an entry in ClinVar:

NM_153026.3(PRICKLE1):c.588+6A>C

Gene: PRICKLE1 (prickle planar cell polarity protein 1; minus strand). Cytogenetic location: 12q12.
Variant type: single nucleotide variant.
Coding change: c.588+6A>C on transcript NM_153026.3 (MANE Select); 6 bases into the intron after coding-DNA position 588, A replaced by C.
Molecular consequence: intron variant.
Genome position (GRCh38, 1-based): chr12:42,468,620, T>G on the plus strand (A>C on the coding strand, the complement: PRICKLE1 is on the minus strand). VCF-style: chr12-42468620-T-G. GRCh37 (hg19) VCF-style: chr12-42862422-T-G.
Other names: c.588+6A>C (NM_001144883.2, NM_001144882.2, NM_001144881.2).
Identifiers: ClinVar variation 2151773 (VCV002151773.1), dbSNP rs1938192024, ClinGen allele CA946974913.

ClinVar aggregate classification (germline): Uncertain significance (1 of 4 stars; one submission).

Conditions:
Epilepsy, progressive myoclonic, 1B. Also called: PME. Identifiers: Orphanet 308, MedGen C2676254, MONDO:0012904, OMIM 612437.

Allele frequency attached by ClinVar (database versions not stated): gnomAD exomes below 0.00001; gnomAD 0.00001.
gnomAD v4.1: 3 of 1,613,582 alleles (0.00019%); highest among the groups gnomAD compares: Admixed American, 0.0017%; no homozygotes.

Submission:

Labcorp Genetics (formerly Invitae), Labcorp
Classification: Uncertain significance for Epilepsy, progressive myoclonic, 1B. Last evaluated: 2022-02-07. Review status: criteria provided, single submitter. Criteria: Invitae Variant Classification Sherloc (09022015). Collection method: clinical testing. Allele origin: germline.
Comment: This sequence change falls in intron 5 of the PRICKLE1 gene. It does not directly change the encoded amino acid sequence of the PRICKLE1 protein. It affects a nucleotide within the consensus splice site. This variant is not present in population databases (gnomAD no frequency). This variant has not been reported in the literature in individuals affected with PRICKLE1-related conditions. Variants that disrupt the consensus splice site are a relatively common cause of aberrant splicing (PMID: 17576681, 9536098). Algorithms developed to predict the effect of sequence changes on RNA splicing suggest that this variant is not likely to affect RNA splicing. In summary, the available evidence is currently insufficient to determine the role of this variant in disease. Therefore, it has been classified as a Variant of Uncertain Significance.

Literature cited by the submitters: PubMed 17576681; PubMed 9536098.